The following is an entry in ClinVar:

ClinVar aggregate classification (germline): Uncertain significance. Review status: criteria provided, multiple submitters, no conflicts (2 of 4 stars). 2 submissions from 2 submitters: Uncertain significance (2). Last evaluated 2024-08-19.

Conditions:
Inborn genetic diseases. Identifiers: MedGen C0950123, MeSH D030342.

Allele frequency attached by ClinVar (database versions not stated): gnomAD exomes 0.00002; ExAC 0.00004; TOPMed 0.00010; gnomAD 0.00012.
gnomAD v4.1: 48 of 1,608,940 alleles (0.003%); highest among the groups gnomAD compares: African/African-American, 0.049%; no homozygotes.

Submissions (2):

Ambry Genetics
Classification: Uncertain significance for Inborn genetic diseases. Last evaluated: 2024-08-19. Review status: criteria provided, single submitter. Criteria: Ambry Variant Classification Scheme 2023. Collection method: clinical testing. Allele origin: germline.

Labcorp Genetics (formerly Invitae), Labcorp
Classification: Uncertain significance. Last evaluated: 2022-06-07. Review status: criteria provided, single submitter. Criteria: Invitae Variant Classification Sherloc (09022015). Collection method: clinical testing. Allele origin: germline.
Comment: This variant has not been reported in the literature in individuals affected with SLC34A3-related conditions. This sequence change replaces valine, which is neutral and non-polar, with methionine, which is neutral and non-polar, at codon 62 of the SLC34A3 protein (p.Val62Met). This variant is present in population databases (rs754789761, gnomAD 0.07%). Algorithms developed to predict the effect of missense changes on protein structure and function output the following: SIFT: "Tolerated"; PolyPhen-2: "Benign"; Align-GVGD: "Class C0". The methionine amino acid residue is found in multiple mammalian species, which suggests that this missense change does not adversely affect protein function. In summary, the available evidence is currently insufficient to determine the role of this variant in disease. Therefore, it has been classified as a Variant of Uncertain Significance.

NM_001177316.2(SLC34A3):c.184G>A (p.Val62Met)

Gene: SLC34A3 (solute carrier family 34 member 3; plus strand). Cytogenetic location: 9q34.3.
Variant type: single nucleotide variant.
Coding change: c.184G>A on transcript NM_001177316.2 (MANE Select); coding-DNA position 184, G replaced by A.
Protein change: p.Val62Met; replaces valine 62 with methionine.
Molecular consequence: missense variant.
Genome position (GRCh38, 1-based): chr9:137,232,583, G>A. VCF-style: chr9-137232583-G-A. GRCh37 (hg19) VCF-style: chr9-140127035-G-A.
Other names: c.184G>A, p.Val62Met (NM_001177317.2, NM_080877.3); c.184G>A (NM_080877.2); short protein forms V62M.
Identifiers: ClinVar variation 2175881 (VCV002175881.5), dbSNP rs754789761, ClinGen allele CA5364264.
Genomic context (GRCh38, chr9:137,232,583, plus strand): 5'-AGACCTGTCAGGGTGGAGGGCCAGCCAGGGACAGCCTGCCCTGTGTCCTCAGAGCTCCGC[G>A]TGGCCGGCAGGCTGCGCCGCGTGGCCGGCAGCGTCCTCAAGGCCTGCGGGCTCCTCGGCA-3'
Protein context (NP_001170787.2, residues 52-72): DTSQPWKELR[Val62Met]AGRLRRVAGS